The following is an entry in ClinVar:

ClinVar aggregate classification (germline): Likely benign. Review status: criteria provided, multiple submitters, no conflicts (2 of 4 stars). 4 submissions from 4 submitters: Likely benign (4). Last evaluated 2025-12-13.

Conditions:
Long QT syndrome (LQTS). Identifiers: MedGen C0023976, MeSH D008133, MONDO:0002442. Disease mechanism: loss of function. Inheritance: Various modes of inheritance.
Cardiovascular phenotype. Identifiers: MedGen CN230736.
Cardiac arrhythmia. Also called: Cardiac rhythm disease; Arrhythmia. Identifiers: MedGen C0003811, MONDO:0007263, HP:0011675.

Allele frequency attached by ClinVar (database versions not stated): gnomAD exomes 0.00001 and 0.00003; ExAC 0.00003; TOPMed 0.00003; gnomAD 0.00004; 1000 Genomes Project 0.00020; 1000 Genomes Project 30x 0.00031.
gnomAD v4.1: 27 of 1,614,156 alleles (0.0017%); highest among the groups gnomAD compares: African/African-American, 0.011%; no homozygotes.

Submissions (4):

Labcorp Genetics (formerly Invitae), Labcorp
Classification: Likely benign for Long QT syndrome. Last evaluated: 2025-12-13. Review status: criteria provided, single submitter. Criteria: Invitae Variant Classification Sherloc (09022015). Collection method: clinical testing. Allele origin: germline.

All of Us Research Program, National Institutes of Health
Classification: Likely benign for Long QT syndrome. Last evaluated: 2023-08-15. Review status: criteria provided, single submitter. Criteria: ACMG Guidelines, 2015. Collection method: clinical testing. Allele origin: germline. Inheritance: Autosomal dominant inheritance. Observed: 2 variant alleles, 2 heterozygotes.
Comment: This study involves interpretation of variants in research participants for the purpose of population health screening. Participant phenotype was not available at the time of variant classification. Additional details can be found in publication PMID: 35346344, PMCID: PMC8962531

Ambry Genetics
Classification: Likely benign for Cardiovascular phenotype. Last evaluated: 2021-08-18. Review status: criteria provided, single submitter. Criteria: Ambry Variant Classification Scheme 2023. Collection method: clinical testing. Allele origin: germline.

Color Diagnostics, LLC DBA Color Health
Classification: Likely benign for Arrhythmia. Last evaluated: 2019-06-13. Review status: criteria provided, single submitter. Criteria: ACMG Guidelines, 2015. Collection method: clinical testing. Allele origin: germline.

NM_000238.4(KCNH2):c.1524C>T (p.Phe508=)

Gene: KCNH2 (potassium voltage-gated channel subfamily H member 2; minus strand). Cytogenetic location: 7q36.1.
Variant type: single nucleotide variant.
Coding change: c.1524C>T on transcript NM_000238.4 (MANE Select); coding-DNA position 1524, C replaced by T.
Protein change: p.Phe508=; no amino-acid change (phenylalanine 508 retained).
Molecular consequence: synonymous variant. On other transcripts: non-coding transcript variant (2).
Genome position (GRCh38, 1-based): chr7:150,952,458, G>A on the plus strand (C>T on the coding strand, the complement: KCNH2 is on the minus strand). VCF-style: chr7-150952458-G-A. GRCh37 (hg19) VCF-style: chr7-150649546-G-A.
Other names: c.1524C>T, p.Phe508= (NM_172056.3); c.504C>T, p.Phe168= (NM_172057.3, NM_001204798.2); c.1236C>T, p.Phe412= (NM_001406753.1, NM_001406756.1); c.1347C>T, p.Phe449= (NM_001406755.1); c.1224C>T, p.Phe408= (NM_001406757.1).
Identifiers: ClinVar variation 926273 (VCV000926273.16), dbSNP rs555601424, ClinGen allele CA028284.
Genomic context (GRCh38, chr7:150,952,458, plus strand): 5'-CACCACCTGCCTCCTTGCTGACCCCACCTCCTCAGAGCCAGAGCCGAAGATGAGCAGGTC[G>A]AAGGGGATGGCGGCCACCATGTCGATGAGGAACCAGCCCTTGAAGTAGTGGACGGCGATG-3'
Protein context (NP_000229.1, residues 498-518): FLIDMVAAIP[Phe508=]DLLIFGSGSE